The following is an entry in ClinVar:

ClinVar aggregate classification (germline): Uncertain significance (1 of 4 stars; one submission).

Submission:

Labcorp Genetics (formerly Invitae), Labcorp
Classification: Uncertain significance. Last evaluated: 2025-12-27. Review status: criteria provided, single submitter. Criteria: Invitae Variant Classification Sherloc (09022015). Collection method: clinical testing. Allele origin: germline.
Comment: This sequence change replaces glycine, which is neutral and non-polar, with arginine, which is basic and polar, at codon 260 of the MSH3 protein (p.Gly260Arg). This variant is not present in population databases (gnomAD no frequency). This variant has not been reported in the literature in individuals affected with MSH3-related conditions. An algorithm developed to predict the effect of missense changes on protein structure and function (PolyPhen-2) suggests that this variant is likely to be disruptive. In summary, the available evidence is currently insufficient to determine the role of this variant in disease. Therefore, it has been classified as a Variant of Uncertain Significance.

NM_002439.5(MSH3):c.778G>C (p.Gly260Arg)

Gene: MSH3 (mutS homolog 3; plus strand). Cytogenetic location: 5q14.1.
Variant type: single nucleotide variant.
Coding change: c.778G>C on transcript NM_002439.5 (MANE Select); coding-DNA position 778, G replaced by C.
Protein change: p.Gly260Arg; replaces glycine 260 with arginine.
Molecular consequence: missense variant.
Genome position (GRCh38, 1-based): chr5:80,670,295, G>C. VCF-style: chr5-80670295-G-C. GRCh37 (hg19) VCF-style: chr5-79966114-G-C.
Other names: short protein forms G260R.
Identifiers: ClinVar variation 4749655 (VCV004749655.1).